The following is an entry in ClinVar:

NM_002224.4(ITPR3):c.1551+4C>T

Gene: ITPR3 (inositol 1,4,5-trisphosphate receptor type 3; plus strand). Cytogenetic location: 6p21.31.
Variant type: single nucleotide variant.
Coding change: c.1551+4C>T on transcript NM_002224.4 (MANE Select); 4 bases into the intron after coding-DNA position 1551, C replaced by T.
Molecular consequence: intron variant.
Genome position (GRCh38, 1-based): chr6:33,665,980, C>T. VCF-style: chr6-33665980-C-T. GRCh37 (hg19) VCF-style: chr6-33633757-C-T.
Other names: c.1551+4C>T (NM_002224.3).
Identifiers: ClinVar variation 2656495 (VCV002656495.25), dbSNP rs145044249, ClinGen allele CA3760279.
Genomic context (GRCh38, chr6:33,665,980, plus strand): 5'-ACTAAGCCCAACCGGGAACGGCAGAAGCTGATGAGGGAGCAGAACATCCTCAAACAGGTG[C>T]GTGTGCACCCATGAGGGGACGCAGAGGGGCCGGGTGCCCGGGAGAGGGATGCCTTCAACT-3'

ClinVar aggregate classification (germline): Likely benign. Review status: criteria provided, single submitter (1 of 4 stars). 2 submissions from 2 submitters: Likely benign (1). 1 of the submissions does not count toward it. Last evaluated 2026-09-01.

Conditions:
ITPR3-related disorder. Also called: ITPR3-related condition.

Allele frequency attached by ClinVar (database versions not stated): ESP Exome Variant Server 0.00115; TOPMed 0.00130; 1000 Genomes Project 30x 0.00156; 1000 Genomes Project 0.00180; gnomAD 0.00333; ExAC 0.00483.
gnomAD v4.1: 4,056 of 1,599,380 alleles (0.25%); highest among the groups gnomAD compares: Non-Finnish European, 0.18%; 20 homozygotes.

Submissions (2):

CeGaT Center for Human Genetics Tuebingen
Classification: Likely benign. Last evaluated: 2026-09-01. Review status: criteria provided, single submitter. Criteria: CeGaT Center For Human Genetics Tuebingen Variant Classification Criteria Version 2. Collection method: clinical testing. Allele origin: germline. Affected: yes. Observed: 7 variant alleles.
Comment: ITPR3: BP4, BS1

PreventionGenetics, part of Exact Sciences
Classification: Benign for ITPR3-related condition. Last evaluated: 2019-10-28. Review status: no assertion criteria provided. Collection method: clinical testing. Allele origin: germline. Not counted in ClinVar's aggregate classification.
Comment: This variant is classified as benign based on ACMG/AMP sequence variant interpretation guidelines (Richards et al. 2015 PMID: 25741868, with internal and published modifications).